The following is an entry in ClinVar:

NM_004656.4(BAP1):c.1725G>A (p.Leu575=)

Gene: BAP1 (BRCA1 associated deubiquitinase 1; minus strand). Cytogenetic location: 3p21.1.
Variant type: single nucleotide variant.
Coding change: c.1725G>A on transcript NM_004656.4 (MANE Select); coding-DNA position 1725, G replaced by A.
Protein change: p.Leu575=; no amino-acid change (leucine 575 retained).
Molecular consequence: synonymous variant.
Genome position (GRCh38, 1-based): chr3:52,403,420, C>T on the plus strand (G>A on the coding strand, the complement: BAP1 is on the minus strand). VCF-style: chr3-52403420-C-T. GRCh37 (hg19) VCF-style: chr3-52437436-C-T.
Identifiers: ClinVar variation 472676 (VCV000472676.44), dbSNP rs748508800, ClinGen allele CA2436749.

ClinVar aggregate classification (germline): Benign/Likely benign. Review status: criteria provided, multiple submitters, no conflicts (2 of 4 stars). 8 submissions from 8 submitters: Benign (1); Likely benign (7). Last evaluated 2026-02-04.

Conditions:
BAP1-related disorder. Also called: BAP1-related condition.
Hereditary cancer-predisposing syndrome. Also called: Hereditary neoplastic syndrome; Tumor predisposition; Neoplastic Syndromes, Hereditary; Hereditary Cancer Syndrome. Identifiers: Orphanet 140162, MedGen C0027672, MeSH D009386, MONDO:0015356.
BAP1-related tumor predisposition syndrome (TPDS1). Also called: Tumor susceptibility linked to germline BAP1 mutations; TUMOR PREDISPOSITION SYNDROME 1; BAP1 tumor predisposition syndrome; COMMON Syndrome. Identifiers: Orphanet 289539, MedGen C3280492, MONDO:0013692, OMIM 614327.

Allele frequency attached by ClinVar (database versions not stated): ExAC 0.00002; gnomAD exomes 0.00002 and 0.00005; TOPMed 0.00002; gnomAD 0.00003 and 0.00004.
gnomAD v4.1: 86 of 1,613,618 alleles (0.0053%); highest among the groups gnomAD compares: Non-Finnish European, 0.0067%; no homozygotes.

Submissions (8):

Labcorp Genetics (formerly Invitae), Labcorp
Classification: Likely benign for BAP1-related tumor predisposition syndrome. Last evaluated: 2026-02-04. Review status: criteria provided, single submitter. Criteria: Invitae Variant Classification Sherloc (09022015). Collection method: clinical testing. Allele origin: germline.

PreventionGenetics, part of Exact Sciences
Classification: Likely benign for BAP1-related condition. Last evaluated: 2025-09-15. Review status: criteria provided, single submitter. Criteria: ACMG Guidelines, 2015. Collection method: clinical testing. Allele origin: germline.
Comment: This variant is classified as likely benign based on ACMG/AMP sequence variant interpretation guidelines (Richards et al. 2015 PMID: 25741868, with internal and published modifications).

Myriad Genetics, Inc.
Classification: Benign for BAP1-related tumor predisposition syndrome. Last evaluated: 2024-07-17. Review status: criteria provided, single submitter. Criteria: Myriad Autosomal Dominant, Autosomal Recessive and X-Linked Classification Criteria (2023). Collection method: clinical testing. Allele origin: unknown.
Comment: This variant is considered benign. This variant is a silent/synonymous amino acid change and it is not expected to impact splicing.

CeGaT Center for Human Genetics Tuebingen
Classification: Likely benign. Last evaluated: 2024-01-01. Review status: criteria provided, single submitter. Criteria: CeGaT Center For Human Genetics Tuebingen Variant Classification Criteria Version 2. Collection method: clinical testing. Allele origin: germline. Affected: yes. Observed: 1 variant allele.
Comment: BAP1: BP4, BP7

Sema4
Classification: Likely benign for Hereditary cancer-predisposing syndrome. Last evaluated: 2021-11-09. Review status: criteria provided, single submitter. Criteria: Sema4 Curation Guidelines. Collection method: curation. Allele origin: germline.

GeneDx
Classification: Likely benign. Last evaluated: 2021-03-02. Review status: criteria provided, single submitter. Criteria: GeneDx Variant Classification Process June 2021. Collection method: clinical testing. Allele origin: germline. Affected: yes.

Color Diagnostics, LLC DBA Color Health
Classification: Likely benign for Hereditary cancer-predisposing syndrome. Last evaluated: 2017-05-07. Review status: criteria provided, single submitter. Criteria: ACMG Guidelines, 2015. Collection method: clinical testing. Allele origin: germline.

Ambry Genetics
Classification: Likely benign for Hereditary cancer-predisposing syndrome. Last evaluated: 2015-09-13. Review status: criteria provided, single submitter. Criteria: Ambry Variant Classification Scheme 2023. Collection method: clinical testing. Allele origin: germline.